The following is an entry in ClinVar:

ClinVar aggregate classification (germline): Uncertain significance (1 of 4 stars; one submission).

Conditions:
Familial sleep-related hypermotor epilepsy. Also called: Autosomal Dominant Sleep-Related Hypermotor (Hyperkinetic) Epilepsy. Identifiers: Orphanet 98784, MedGen C3696898, MONDO:0000030.

Submission:

Labcorp Genetics (formerly Invitae), Labcorp
Classification: Uncertain significance. Last evaluated: 2024-10-10. Review status: criteria provided, single submitter. Criteria: Invitae Variant Classification Sherloc (09022015). Collection method: clinical testing. Allele origin: germline.
Comment: This sequence change replaces leucine, which is neutral and non-polar, with arginine, which is basic and polar, at codon 341 of the CHRNA2 protein (p.Leu341Arg). This variant is not present in population databases (gnomAD no frequency). This variant has not been reported in the literature in individuals affected with CHRNA2-related conditions. Invitae Evidence Modeling of protein sequence and biophysical properties (such as structural, functional, and spatial information, amino acid conservation, physicochemical variation, residue mobility, and thermodynamic stability) indicates that this missense variant is expected to disrupt CHRNA2 protein function with a positive predictive value of 80%. In summary, the available evidence is currently insufficient to determine the role of this variant in disease. Therefore, it has been classified as a Variant of Uncertain Significance.

NM_000742.4(CHRNA2):c.1022T>G (p.Leu341Arg)

Gene: CHRNA2 (cholinergic receptor nicotinic alpha 2 subunit; minus strand). Cytogenetic location: 8p21.2.
Variant type: single nucleotide variant.
Coding change: c.1022T>G on transcript NM_000742.4 (MANE Select); coding-DNA position 1022, T replaced by G.
Protein change: p.Leu341Arg; replaces leucine 341 with arginine.
Molecular consequence: missense variant.
Genome position (GRCh38, 1-based): chr8:27,463,421, A>C on the plus strand (T>G on the coding strand, the complement: CHRNA2 is on the minus strand). VCF-style: chr8-27463421-A-C. GRCh37 (hg19) VCF-style: chr8-27320938-A-C.
Other names: c.977T>G, p.Leu326Arg (NM_001282455.2); c.545T>G, p.Leu182Arg (NM_001347705.2, NM_001347706.2); c.428T>G, p.Leu143Arg (NM_001347707.2, NM_001347708.2); short protein forms L143R, L326R, L341R, L182R.
Identifiers: ClinVar variation 3702708 (VCV003702708.2).